The following is an entry in ClinVar:

NC_000007.14:g.(?_117530889)_(117540356_?)del

Gene: CFTR (CF transmembrane conductance regulator; plus strand). Cytogenetic location: 7q31.2.
Variant type: Deletion.
Identifiers: ClinVar variation 832991 (VCV000832991.1).

ClinVar aggregate classification (germline): Likely pathogenic (1 of 4 stars; one submission).

Conditions:
Cystic fibrosis (CF). Also called: MUCOVISCIDOSIS. Identifiers: Orphanet 586, MedGen C0010674, MONDO:0009061, OMIM 219700. Disease mechanism: loss of function.

Submission:

Labcorp Genetics (formerly Invitae), Labcorp
Classification: Likely pathogenic for Cystic fibrosis. Last evaluated: 2019-08-06. Review status: criteria provided, single submitter. Criteria: Invitae Variant Classification Sherloc (09022015). Collection method: clinical testing. Allele origin: germline.
Comment: This variant is an in-frame deletion of the genomic region encompassing exons 4-8 of the CFTR gene. It preserves the integrity of the reading frame. This variant has not been reported in the literature in individuals with CFTR-related conditions. This variant disrupts the p.Arg117 amino acid residue in CFTR. Other variant(s) that disrupt this residue have been determined to be pathogenic (PMID: 21783433, 23974870, 7525450, 22658665, 15482777, 24586523, 238191399). This suggests that this residue is clinically significant, and that variants that disrupt this residue are likely to be disease-causing. In summary, the currently available evidence indicates that the variant is pathogenic, but additional data are needed to prove that conclusively. Therefore, this variant has been classified as Likely Pathogenic.

Literature cited by the submitters: PubMed 24586523; PubMed 238191399; PubMed 21783433; PubMed 7525450; PubMed 15482777; PubMed 23974870; PubMed 22658665.